The following is an entry in ClinVar:

ClinVar aggregate classification (germline): Likely benign. Review status: criteria provided, multiple submitters, no conflicts (2 of 4 stars). 3 submissions from 3 submitters: Likely benign (3). Last evaluated 2025-05-13.

Conditions:
Multiple endocrine neoplasia, type 2 (MEN2). Identifiers: Orphanet 653, MedGen C4048306, MONDO:0019003. Disease mechanism: gain of function.
Hereditary cancer-predisposing syndrome. Also called: Hereditary Cancer Syndrome; Neoplastic Syndromes, Hereditary; Tumor predisposition; Hereditary neoplastic syndrome. Identifiers: Orphanet 140162, MedGen C0027672, MeSH D009386, MONDO:0015356.

Submissions (3):

Labcorp Genetics (formerly Invitae), Labcorp
Classification: Likely benign for Multiple endocrine neoplasia, type 2. Last evaluated: 2025-05-13. Review status: criteria provided, single submitter. Criteria: Invitae Variant Classification Sherloc (09022015). Collection method: clinical testing. Allele origin: germline.

All of Us Research Program, National Institutes of Health
Classification: Likely benign for Multiple endocrine neoplasia, type 2. Last evaluated: 2024-04-16. Review status: criteria provided, single submitter. Criteria: ACMG Guidelines, 2015. Collection method: clinical testing. Allele origin: germline. Inheritance: Autosomal dominant inheritance. Observed: 1 variant allele, 1 heterozygote.
Comment: This study involves interpretation of variants in research participants for the purpose of population health screening. Participant phenotype was not available at the time of variant classification. Additional details can be found in publication PMID: 35346344, PMCID: PMC8962531

Ambry Genetics
Classification: Likely benign for Hereditary cancer-predisposing syndrome. Last evaluated: 2021-07-28. Review status: criteria provided, single submitter. Criteria: Ambry Variant Classification Scheme 2023. Collection method: clinical testing. Allele origin: germline.

NM_020975.6(RET):c.61C>T (p.Leu21=)

Gene: RET (ret proto-oncogene; plus strand). Cytogenetic location: 10q11.21.
Variant type: single nucleotide variant.
Coding change: c.61C>T on transcript NM_020975.6 (MANE Select); coding-DNA position 61, C replaced by T.
Protein change: p.Leu21=; no amino-acid change (leucine 21 retained).
Molecular consequence: synonymous variant.
Genome position (GRCh38, 1-based): chr10:43,077,319, C>T. VCF-style: chr10-43077319-C-T. GRCh37 (hg19) VCF-style: chr10-43572767-C-T.
Other names: c.61C>T, p.Leu21= (NM_000323.2, NM_001406743.1, NM_001406744.1 and 38 more transcripts).
Identifiers: ClinVar variation 1085791 (VCV001085791.13), dbSNP rs2132499288, ClinGen allele CA469275107.